The following is an entry in ClinVar:

NM_000430.4(PAFAH1B1):c.422A>G (p.Asp141Gly)

Gene: PAFAH1B1 (platelet activating factor acetylhydrolase 1b regulatory subunit 1; plus strand). Cytogenetic location: 17p13.3.
Variant type: single nucleotide variant.
Coding change: c.422A>G on transcript NM_000430.4 (MANE Select); coding-DNA position 422, A replaced by G.
Protein change: p.Asp141Gly; replaces aspartic acid 141 with glycine.
Molecular consequence: missense variant.
Genome position (GRCh38, 1-based): chr17:2,670,185, A>G. VCF-style: chr17-2670185-A-G. GRCh37 (hg19) VCF-style: chr17-2573479-A-G.
Other names: short protein forms D141G.
Identifiers: ClinVar variation 1358692 (VCV001358692.6), dbSNP rs1226589466, ClinGen allele CA397639858.

ClinVar aggregate classification (germline): Uncertain significance (1 of 4 stars; one submission).

Allele frequency attached by ClinVar (database versions not stated): TOPMed below 0.00001.

Submission:

Labcorp Genetics (formerly Invitae), Labcorp
Classification: Uncertain significance. Last evaluated: 2022-08-23. Review status: criteria provided, single submitter. Criteria: Invitae Variant Classification Sherloc (09022015). Collection method: clinical testing. Allele origin: germline.
Comment: This sequence change replaces aspartic acid, which is acidic and polar, with glycine, which is neutral and non-polar, at codon 141 of the PAFAH1B1 protein (p.Asp141Gly). This variant is not present in population databases (gnomAD no frequency). This variant has not been reported in the literature in individuals affected with PAFAH1B1-related conditions. ClinVar contains an entry for this variant (Variation ID: 1358692). Algorithms developed to predict the effect of missense changes on protein structure and function are either unavailable or do not agree on the potential impact of this missense change (SIFT: "Tolerated"; PolyPhen-2: "Possibly Damaging"; Align-GVGD: "Class C0"). In summary, the available evidence is currently insufficient to determine the role of this variant in disease. Therefore, it has been classified as a Variant of Uncertain Significance.